The following is an entry in ClinVar:

ClinVar aggregate classification (germline): Uncertain significance. Review status: criteria provided, multiple submitters, no conflicts (2 of 4 stars). 5 submissions from 5 submitters: Uncertain significance (5). Last evaluated 2025-07-21.

Conditions:
Hereditary cancer-predisposing syndrome. Also called: Neoplastic Syndromes, Hereditary; Hereditary neoplastic syndrome; Hereditary Cancer Syndrome; Tumor predisposition. Identifiers: Orphanet 140162, MedGen C0027672, MeSH D009386, MONDO:0015356.
Hereditary diffuse gastric adenocarcinoma (HDGC). Also called: DIFFUSE GASTRIC AND LOBULAR BREAST CANCER SYNDROME. Identifiers: Orphanet 26106, MedGen C1708349, MONDO:0007648, OMIM 137215.

Allele frequency attached by ClinVar (database versions not stated): gnomAD exomes 0.00001 and 0.00004; ExAC 0.00004.
gnomAD v4.1: 16 of 1,613,848 alleles (0.00099%); highest among the groups gnomAD compares: South Asian, 0.018%; no homozygotes.

Submissions (5):

Labcorp Genetics (formerly Invitae), Labcorp
Classification: Uncertain significance for Hereditary diffuse gastric adenocarcinoma. Last evaluated: 2025-07-21. Review status: criteria provided, single submitter. Criteria: Invitae Variant Classification Sherloc (09022015). Collection method: clinical testing. Allele origin: germline.
Comment: This sequence change replaces asparagine, which is neutral and polar, with lysine, which is basic and polar, at codon 809 of the CDH1 protein (p.Asn809Lys). This variant is present in population databases (rs772173832, gnomAD 0.03%). This variant has not been reported in the literature in individuals affected with CDH1-related conditions. ClinVar contains an entry for this variant (Variation ID: 658880). An algorithm developed to predict the effect of missense changes on protein structure and function (PolyPhen-2) suggests that this variant is likely to be disruptive. In summary, the available evidence is currently insufficient to determine the role of this variant in disease. Therefore, it has been classified as a Variant of Uncertain Significance.

Ambry Genetics
Classification: Uncertain significance for Hereditary cancer-predisposing syndrome. Last evaluated: 2025-03-10. Review status: criteria provided, single submitter. Criteria: Ambry Variant Classification Scheme 2023. Collection method: clinical testing. Allele origin: germline.
Comment: The p.N809K variant (also known as c.2427T>A), located in coding exon 15 of the CDH1 gene, results from a T to A substitution at nucleotide position 2427. The asparagine at codon 809 is replaced by lysine, an amino acid with similar properties. This amino acid position is conserved. In addition, this alteration is predicted to be tolerated by in silico analysis. Based on the available evidence, the clinical significance of this variant remains unclear.

Center for Genomic Medicine, Rigshospitalet, Copenhagen University Hospital
Classification: Uncertain significance. Last evaluated: 2025-03-04. Review status: criteria provided, single submitter. Criteria: ACMG Guidelines, 2015. Collection method: clinical testing. Allele origin: germline.

Color Diagnostics, LLC DBA Color Health
Classification: Uncertain significance for Hereditary cancer-predisposing syndrome. Last evaluated: 2024-12-23. Review status: criteria provided, single submitter. Criteria: ACMG Guidelines, 2015. Collection method: clinical testing. Allele origin: germline.
Comment: This missense variant replaces asparagine with lysine at codon 809 of the CDH1 protein. To our knowledge, functional studies have not been reported for this variant. This variant has not been reported in individuals affected with CDH1-related disorders in the literature. This variant has been identified in 10/251158 chromosomes in the general population by the Genome Aggregation Database (gnomAD). The available evidence is insufficient to determine the role of this variant in disease conclusively. Therefore, this variant is classified as a Variant of Uncertain Significance.

GeneDx
Classification: Uncertain significance. Last evaluated: 2023-02-22. Review status: criteria provided, single submitter. Criteria: GeneDx Variant Classification Process June 2021. Collection method: clinical testing. Allele origin: germline. Affected: yes.
Comment: In silico analysis supports that this missense variant has a deleterious effect on protein structure/function; Has not been previously published as pathogenic or benign to our knowledge; This variant is associated with the following publications: (PMID: 15235021, 22850631)

NM_004360.5(CDH1):c.2427T>A (p.Asn809Lys)

Gene: CDH1 (cadherin 1; plus strand). Cytogenetic location: 16q22.1.
Variant type: single nucleotide variant.
Coding change: c.2427T>A on transcript NM_004360.5 (MANE Select); coding-DNA position 2427, T replaced by A.
Protein change: p.Asn809Lys; replaces asparagine 809 with lysine.
Molecular consequence: missense variant.
Genome position (GRCh38, 1-based): chr16:68,829,785, T>A. VCF-style: chr16-68829785-T-A. GRCh37 (hg19) VCF-style: chr16-68863688-T-A.
Other names: c.2427T>A (LRG_301t1); c.2244T>A, p.Asn748Lys (NM_001317184.2); c.879T>A, p.Asn293Lys (NM_001317185.2); c.462T>A, p.Asn154Lys (NM_001317186.2); short protein forms N154K, N293K, N809K, N748K.
Identifiers: ClinVar variation 658880 (VCV000658880.14), dbSNP rs772173832, ClinGen allele CA8130273.
Genomic context (GRCh38, chr16:68,829,785, plus strand): 5'-AACCCTCATGAGTGTCCCCCGGTATCTTCCCCGCCCTGCCAATCCCGATGAAATTGGAAA[T>A]TTTATTGATGAAGTAAGTAATCCACGTGGAAAGCCAAAGCATGGCTCATCTCTAAGCTCA-3'
Protein context (NP_004351.1, residues 799-819): PRPANPDEIG[Asn809Lys]FIDENLKAAD